The following is an entry in ClinVar:

ClinVar aggregate classification (germline): Uncertain significance. Review status: criteria provided, multiple submitters, no conflicts (2 of 4 stars). 2 submissions from 2 submitters: Uncertain significance (2). Last evaluated 2025-06-20.

Conditions:
Glycogen storage disease IXb (GSD9B). Also called: PHOSPHORYLASE KINASE DEFICIENCY OF LIVER AND MUSCLE, AUTOSOMAL RECESSIVE; GLYCOGENOSIS OF LIVER AND MUSCLE, AUTOSOMAL RECESSIVE; GSD IXb. Identifiers: Orphanet 79240, MedGen C0543514, MONDO:0009868, OMIM 261750.

Allele frequency attached by ClinVar (database versions not stated): gnomAD 0.00005; TOPMed 0.00008.

Submissions (2):

Labcorp Genetics (formerly Invitae), Labcorp
Classification: Uncertain significance for Glycogen storage disease IXb. Last evaluated: 2025-06-20. Review status: criteria provided, single submitter. Criteria: Invitae Variant Classification Sherloc (09022015). Collection method: clinical testing. Allele origin: germline.
Comment: This sequence change affects the initiator codon of the PHKB mRNA. This change may impact translation initiation or efficiency. The next in-frame methionine is located at codon 122. This variant is present in population databases (rs750315969, gnomAD 0.04%). This variant has not been reported in the literature in individuals affected with PHKB-related conditions. ClinVar contains an entry for this variant (Variation ID: 2197517). In summary, the available evidence is currently insufficient to determine the role of this variant in disease. Therefore, it has been classified as a Variant of Uncertain Significance.

Women's Health and Genetics/Laboratory Corporation of America, LabCorp
Classification: Uncertain significance. Last evaluated: 2023-12-07. Review status: criteria provided, single submitter. Criteria: LabCorp Variant Classification Summary - May 2015. Collection method: clinical testing. Allele origin: germline.
Comment: Variant summary: PHKB c.1A>G (p.Met1Val) alters the initiation codon and is predicted to result either in absence of the protein or truncation of the encoded protein due to translation initiation at a downstream codon. Two of three in-silico tools predict a benign effect of the variant on protein function. An alternative transcript (NM_001031835.3) for this gene uses a downstream ATG start site (located in intron 1 of NM_000293.2). The variant allele was found at a frequency of 7.3e-05 in 233468 control chromosomes. This frequency is not significantly higher than estimated for a pathogenic variant in PHKB causing Glycogen Phosphorylase Kinase Deficiency (7.3e-05 vs 0.0011), allowing no conclusion about variant significance. To our knowledge, no occurrence of c.1A>G in individuals affected with Glycogen Phosphorylase Kinase Deficiency and no experimental evidence demonstrating its impact on protein function have been reported. One submitter has cited clinical-significance assessments for this variant to ClinVar after 2014 and has classified the variant as uncertain significance. Based on the evidence outlined above, the variant was classified as uncertain significance.

NM_000293.3(PHKB):c.1A>G (p.Met1Val)

Genes: PHKB (phosphorylase kinase regulatory subunit beta; plus strand), LOC130058947 (ATAC-STARR-seq lymphoblastoid silent region 7451; plus strand). Cytogenetic location: 16q12.1.
Variant type: single nucleotide variant.
Coding change: c.1A>G on transcript NM_000293.3 (MANE Select); coding-DNA position 1, A replaced by G.
Protein change: p.Met1Val; changes the start codon (methionine 1).
Molecular consequence: missense variant, initiator codon variant. On other transcripts: 5 prime UTR variant (1).
Genome position (GRCh38, 1-based): chr16:47,461,351, A>G. VCF-style: chr16-47461351-A-G. GRCh37 (hg19) VCF-style: chr16-47495262-A-G.
Other names: c.1A>G (NM_000293.2); c.-133A>G (NM_001031835.3); c.1A>G, p.Met1Val (NM_001363837.1); short protein forms M1V.
Identifiers: ClinVar variation 2197517 (VCV002197517.6), dbSNP rs750315969, ClinGen allele CA8040296.
Genomic context (GRCh38, chr16:47,461,351, plus strand): 5'-GGCCCGGCATTGCTGACAGGCGGCCCCGGGGGCGGTGGCCAAGGCGGCGACCGGAGCGCG[A>G]TGGCGGGGGCGGCGGGACTCACGGCAGAAGTGAGCTGGAAGGTCTTGGAGCGAAGAGCTC-3'
Protein context (NP_000284.1, residues 1-11): [Met1Val]AGAAGLTAEV